The following is an entry in ClinVar:

ClinVar aggregate classification (germline): Uncertain significance. Review status: criteria provided, multiple submitters, no conflicts (2 of 4 stars). 2 submissions from 2 submitters: Uncertain significance (2). Last evaluated 2026-06-18.

gnomAD v4.1: 3 of 1,613,972 alleles (0.00019%); highest among the groups gnomAD compares: South Asian, 0.0022%; no homozygotes.

Submissions (2):

Women's Health and Genetics/Laboratory Corporation of America, LabCorp
Classification: Uncertain significance. Last evaluated: 2026-06-18. Review status: criteria provided, single submitter. Criteria: LabCorp Variant Classification Summary - May 2015. Collection method: clinical testing. Allele origin: germline.
Comment: Variant summary: SRCAP c.2951C>T (p.Pro984Leu) results in a non-conservative amino acid change in the encoded protein sequence. Algorithms developed to predict the effect of missense changes on protein structure and function all suggest that this variant is likely to be disruptive. The variant was absent in 248004 control chromosomes. The available data on variant occurrences in the general population are insufficient to allow any conclusion about variant significance. To our knowledge, no occurrence of c.2951C>T in individuals affected with SRCAP-related conditions and no experimental evidence demonstrating its impact on protein function have been reported. ClinVar contains an entry for this variant (Variation ID: 3015593). Based on the evidence outlined above, the variant was classified as uncertain significance.

Labcorp Genetics (formerly Invitae), Labcorp
Classification: Uncertain significance. Last evaluated: 2025-09-11. Review status: criteria provided, single submitter. Criteria: Invitae Variant Classification Sherloc (09022015). Collection method: clinical testing. Allele origin: germline.
Comment: This sequence change replaces proline, which is neutral and non-polar, with leucine, which is neutral and non-polar, at codon 984 of the SRCAP protein (p.Pro984Leu). This variant is not present in population databases (gnomAD no frequency). This variant has not been reported in the literature in individuals affected with SRCAP-related conditions. ClinVar contains an entry for this variant (Variation ID: 3015593). Invitae Evidence Modeling of protein sequence and biophysical properties (such as structural, functional, and spatial information, amino acid conservation, physicochemical variation, residue mobility, and thermodynamic stability) indicates that this missense variant is expected to disrupt SRCAP protein function with a positive predictive value of 80%. In summary, the available evidence is currently insufficient to determine the role of this variant in disease. Therefore, it has been classified as a Variant of Uncertain Significance.

NM_006662.3(SRCAP):c.2951C>T (p.Pro984Leu)

Gene: SRCAP (Snf2 related CREBBP activator protein; plus strand). Cytogenetic location: 16p11.2.
Variant type: single nucleotide variant.
Coding change: c.2951C>T on transcript NM_006662.3 (MANE Select); coding-DNA position 2951, C replaced by T.
Protein change: p.Pro984Leu; replaces proline 984 with leucine.
Molecular consequence: missense variant.
Genome position (GRCh38, 1-based): chr16:30,720,295, C>T. VCF-style: chr16-30720295-C-T. GRCh37 (hg19) VCF-style: chr16-30731616-C-T.
Other names: short protein forms P984L.
Identifiers: ClinVar variation 3015593 (VCV003015593.4), dbSNP rs2052998776, ClinGen allele CA395613014.